The following is an entry in ClinVar:

ClinVar aggregate classification (germline): Uncertain significance (1 of 4 stars; one submission).

Conditions:
Gorlin syndrome. Also called: Nevoid Basal Cell Carcinoma Syndrome; Basal cell nevus syndrome. Identifiers: Orphanet 377, MedGen C0004779, MONDO:0007187.

Allele frequency attached by ClinVar (database versions not stated): gnomAD exomes below 0.00001; TOPMed below 0.00001; gnomAD 0.00001.
gnomAD v4.1: 5 of 1,614,052 alleles (0.00031%); highest among the groups gnomAD compares: African/African-American, 0.0013%; no homozygotes.

Submission:

Labcorp Genetics (formerly Invitae), Labcorp
Classification: Uncertain significance for Gorlin syndrome. Last evaluated: 2020-10-20. Review status: criteria provided, single submitter. Criteria: Invitae Variant Classification Sherloc (09022015). Collection method: clinical testing. Allele origin: germline.
Comment: In summary, the available evidence is currently insufficient to determine the role of this variant in disease. Therefore, it has been classified as a Variant of Uncertain Significance. Algorithms developed to predict the effect of sequence changes on RNA splicing suggest that this variant may create or strengthen a splice site, but this prediction has not been confirmed by published transcriptional studies. This variant has not been reported in the literature in individuals with PTCH2-related conditions. This variant is not present in population databases (ExAC no frequency). This sequence change creates a premature translational stop signal (p.Glu365*) in the PTCH2 gene. It is expected to result in an absent or disrupted protein product. However, the current clinical and genetic evidence is not sufficient to establish whether loss-of-function variants in PTCH2 cause disease.

NM_003738.5(PTCH2):c.1093G>T (p.Glu365Ter)

Gene: PTCH2 (patched 2; minus strand). Cytogenetic location: 1p34.1.
Variant type: single nucleotide variant.
Coding change: c.1093G>T on transcript NM_003738.5 (MANE Select); coding-DNA position 1093, G replaced by T.
Protein change: p.Glu365Ter; replaces glutamic acid 365 with a stop codon.
Molecular consequence: nonsense.
Genome position (GRCh38, 1-based): chr1:44,829,524, C>A on the plus strand (G>T on the coding strand, the complement: PTCH2 is on the minus strand). VCF-style: chr1-44829524-C-A. GRCh37 (hg19) VCF-style: chr1-45295196-C-A.
Other names: c.1093G>T, p.Glu365Ter (NM_001166292.2); short protein forms E365*.
Identifiers: ClinVar variation 1055176 (VCV001055176.8), dbSNP rs1344552083, ClinGen allele CA340104561.
Genomic context (GRCh38, chr1:44,829,524, plus strand): 5'-CATCCAGGGTGGTGGAGGAGAAGGCATGGATCTGCTGGGAAGCGTTCTCAGGCAGGGCCT[C>A]CTGGGCCAGCTGGAGAAACAGGGTGGATAGGAGGGGGCAGGAGGAGGGAATGGCCTCAGG-3'